The following is an entry in ClinVar:

NM_020911.2(PLXNA4):c.1518T>C (p.Pro506=)

Gene: PLXNA4 (plexin A4; minus strand). Cytogenetic location: 7q32.3.
Variant type: single nucleotide variant.
Coding change: c.1518T>C on transcript NM_020911.2 (MANE Select); coding-DNA position 1518, T replaced by C.
Protein change: p.Pro506=; no amino-acid change (proline 506 retained).
Molecular consequence: synonymous variant.
Genome position (GRCh38, 1-based): chr7:132,241,152, A>G on the plus strand (T>C on the coding strand, the complement: PLXNA4 is on the minus strand). VCF-style: chr7-132241152-A-G. GRCh37 (hg19) VCF-style: chr7-131925911-A-G.
Other names: c.1518T>C, p.Pro506= (NM_001393897.1).
Identifiers: ClinVar variation 4999893 (VCV004999893.1).

ClinVar aggregate classification (germline): Likely benign (1 of 4 stars; one submission).

Conditions:
PLXNA4-related disorder. Also called: PLXNA4-related condition.

gnomAD v4.1: 1 of 1,612,256 alleles (0.000062%); highest among the groups gnomAD compares: Non-Finnish European, 0.000085%; no homozygotes.

Submission:

PreventionGenetics, part of Exact Sciences
Classification: Likely benign for PLXNA4-related condition. Last evaluated: 2026-08-04. Review status: criteria provided, single submitter. Criteria: ACMG Guidelines, 2015. Collection method: clinical testing. Allele origin: germline.
Comment: This variant is classified as likely benign based on ACMG/AMP sequence variant interpretation guidelines (Richards et al. 2015 PMID: 25741868, with internal and published modifications).